The following is an entry in ClinVar:

NM_172107.4(KCNQ2):c.528_548dup (p.Leu183_Ala184insIleAlaSerIleAlaValLeu)

Gene: KCNQ2 (potassium voltage-gated channel subfamily Q member 2; minus strand). Cytogenetic location: 20q13.33.
Variant type: Duplication.
Coding change: c.528_548dup on transcript NM_172107.4 (MANE Select); coding-DNA positions 528 to 548, 21 bases duplicated (CATCGCCTCCATTGCGGTGCT).
Protein change: p.Leu183_Ala184insIleAlaSerIleAlaValLeu.
Molecular consequence: inframe insertion.
Genome position (GRCh38, 1-based): chr20:63,444,801-63,444,821, AGCACCGCAATGGAGGCGATG duplicated on the plus strand (CATCGCCTCCATTGCGGTGCT on the coding strand, the reverse complement: KCNQ2 is on the minus strand); duplicating any 21 consecutive bases within chr20:63,444,801-63,444,827 gives the same sequence; the c. name uses the placement nearest the transcript's 3' end. VCF-style (leftmost placement, unchanged base first): chr20-63444800-C-CAGCACCGCAATGGAGGCGATG. GRCh37 (hg19) VCF-style: chr20-62076153-C-CAGCACCGCAATGGAGGCGATG.
Other names: c.528_548dup, p.Leu183_Ala184insIleAlaSerIleAlaValLeu (NM_001382235.1, NM_004518.6, NM_172106.3 and 2 more transcripts).
Identifiers: ClinVar variation 1746565 (VCV001746565.2), dbSNP rs2516504668, ClinGen allele CA2580098406.
Genomic context (GRCh38, chr20:63,444,800, plus strand): 5'-CAGGAAGCGCAGGCTCCGGAGCGCAGATGTGGCAAAGACGTTGCCCTGGGAGCCGGCGGC[C>CAGCACCGCAATGGAGGCGATG]AGCACCGCAATGGAGGCGATGAGCACCATGATGTCTACAAAGCGGGCGTGGAGCTGGTGA-3'

ClinVar aggregate classification (germline): Uncertain significance (1 of 4 stars; one submission).

Conditions:
Inborn genetic diseases. Identifiers: MedGen C0950123, MeSH D030342.

Submission:

Ambry Genetics
Classification: Uncertain significance for Inborn genetic diseases. Last evaluated: 2019-09-06. Review status: criteria provided, single submitter. Criteria: Ambry Variant Classification Scheme 2023. Collection method: clinical testing. Allele origin: germline.
Comment: The c.528_548dup21 variant (also known as p.I177_L183dup), located in coding exon 4 of the KCNQ2 gene, results from an in-frame duplication of 21 nucleotides at nucleotide positions 528 to 548. This results in the duplication of 7 extra residues (IASIAVL) between codons 177 and 183. This variant has been determined to be the result of a de novo mutation or germline mosaicism in one family with an isolated case of developmental delay, microcephaly and hypotonia (Ambry internal data). Based on internal structural analysis, this alteration occurs in an important functional domain (S3) and would replace three amino acids with comparable amino acids and extend the intracellular loop; however, the structural impact of this alteration is inconclusive. In addition, this alteration is predicted to be deleterious by PROVEAN in silico analysis (Choi Y et al., PLoS ONE 2012; 7(10):e46688). Since supporting evidence is limited at this time, the clinical significance of this alteration remains unclear.